The following is an entry in ClinVar:

NM_025009.5(CEP135):c.1045-1G>C

Gene: CEP135 (centrosomal protein 135; plus strand). Cytogenetic location: 4q12.
Variant type: single nucleotide variant.
Coding change: c.1045-1G>C on transcript NM_025009.5 (MANE Select); the canonical splice acceptor site of the intron before coding-DNA position 1045, G replaced by C.
Molecular consequence: splice acceptor variant.
Genome position (GRCh38, 1-based): chr4:55,969,062, G>C. VCF-style: chr4-55969062-G-C. GRCh37 (hg19) VCF-style: chr4-56835228-G-C.
Identifiers: ClinVar variation 3721307 (VCV003721307.2).
Genomic context (GRCh38, chr4:55,969,062, plus strand): 5'-GCATATGACTTAAGTATTCTTAGACTTTTAAGTATATACCTAATAGGCTTTTTATTCCTA[G>C]AAAGAGATTAAAAGAAAGCTCTCTGAAATGCAGGATCTTGAAGAAACAATGGCAAAACTT-3'

ClinVar aggregate classification (germline): Likely pathogenic (1 of 4 stars; one submission).

gnomAD v4.1: 1 of 1,607,064 alleles (0.000062%); highest among the groups gnomAD compares: African/African-American, 0.0013%; no homozygotes.

Submission:

Labcorp Genetics (formerly Invitae), Labcorp
Classification: Likely pathogenic. Last evaluated: 2024-11-05. Review status: criteria provided, single submitter. Criteria: Invitae Variant Classification Sherloc (09022015). Collection method: clinical testing. Allele origin: germline.
Comment: This sequence change affects an acceptor splice site in intron 8 of the CEP135 gene. It is expected to disrupt RNA splicing. Variants that disrupt the donor or acceptor splice site typically lead to a loss of protein function (PMID: 16199547), and loss-of-function variants in CEP135 are known to be pathogenic (PMID: 22521416, 26657937). This variant is not present in population databases (gnomAD no frequency). This variant has not been reported in the literature in individuals affected with CEP135-related conditions. Algorithms developed to predict the effect of sequence changes on RNA splicing suggest that this variant may disrupt the consensus splice site. In summary, the currently available evidence indicates that the variant is pathogenic, but additional data are needed to prove that conclusively. Therefore, this variant has been classified as Likely Pathogenic.

Literature cited by the submitters: PubMed 16199547; PubMed 22521416; PubMed 26657937.